The following is an entry in ClinVar:

ClinVar aggregate classification (germline): Likely benign. Review status: criteria provided, multiple submitters, no conflicts (2 of 4 stars). 2 submissions from 2 submitters: Likely benign (2). Last evaluated 2024-10-31.

Conditions:
ITGB4-related disorder. Also called: ITGB4-related condition.

Allele frequency attached by ClinVar (database versions not stated): gnomAD exomes below 0.00001; gnomAD 0.00001.
gnomAD v4.1: 4 of 1,602,096 alleles (0.00025%); highest among the groups gnomAD compares: Admixed American, 0.0052%; no homozygotes.

Submissions (2):

PreventionGenetics, part of Exact Sciences
Classification: Likely benign for ITGB4-related condition. Last evaluated: 2024-10-31. Review status: criteria provided, single submitter. Criteria: ACMG Guidelines, 2015. Collection method: clinical testing. Allele origin: germline.
Comment: This variant is classified as likely benign based on ACMG/AMP sequence variant interpretation guidelines (Richards et al. 2015 PMID: 25741868, with internal and published modifications).

Labcorp Genetics (formerly Invitae), Labcorp
Classification: Likely benign. Last evaluated: 2023-10-04. Review status: criteria provided, single submitter. Criteria: Invitae Variant Classification Sherloc (09022015). Collection method: clinical testing. Allele origin: germline.

NM_000213.5(ITGB4):c.1923C>T (p.Gly641=)

Gene: ITGB4 (integrin subunit beta 4; plus strand). Cytogenetic location: 17q25.1.
Variant type: single nucleotide variant.
Coding change: c.1923C>T on transcript NM_000213.5 (MANE Select); coding-DNA position 1923, C replaced by T.
Protein change: p.Gly641=; no amino-acid change (glycine 641 retained).
Molecular consequence: synonymous variant.
Genome position (GRCh38, 1-based): chr17:75,736,627, C>T. VCF-style: chr17-75736627-C-T. GRCh37 (hg19) VCF-style: chr17-73732708-C-T.
Other names: c.1923C>T (NM_000213.4); c.1923C>T, p.Gly641= (NM_001005619.2, NM_001005731.3, NM_001321123.2).
Identifiers: ClinVar variation 2986682 (VCV002986682.4), dbSNP rs8064969, ClinGen allele CA501834163.
Genomic context (GRCh38, chr17:75,736,627, plus strand): 5'-CCACCCGGGCCTCTGCGAGGACCTACGCTCCTGCGTGCAGTGCCAGGCGTGGGGCACCGG[C>T]GAGAAGAAGGGGCGCACGTGTGAGGAATGCAACTTCAAGGTCAAGATGGTGGACGAGCTT-3'
Protein context (NP_000204.3, residues 631-651): SCVQCQAWGT[Gly641=]EKKGRTCEEC